The following is an entry in ClinVar:

NM_145691.4(ATPAF2):c.240C>G (p.Thr80=)

Gene: ATPAF2 (ATP synthase mitochondrial F1 complex assembly factor 2; minus strand). Cytogenetic location: 17p11.2.
Variant type: single nucleotide variant.
Coding change: c.240C>G on transcript NM_145691.4 (MANE Select); coding-DNA position 240, C replaced by G.
Protein change: p.Thr80=; no amino-acid change (threonine 80 retained).
Molecular consequence: synonymous variant.
Genome position (GRCh38, 1-based): chr17:18,028,316, G>C on the plus strand (C>G on the coding strand, the complement: ATPAF2 is on the minus strand). VCF-style: chr17-18028316-G-C. GRCh37 (hg19) VCF-style: chr17-17931630-G-C.
Identifiers: ClinVar variation 511802 (VCV000511802.1), dbSNP rs561865870, ClinGen allele CA498199600.

ClinVar aggregate classification (germline): Likely benign (1 of 4 stars; one submission).

Submission:

GeneDx
Classification: Likely benign. Last evaluated: 2017-09-22. Review status: criteria provided, single submitter. Criteria: GeneDx Variant Classification (06012015). Collection method: clinical testing. Allele origin: germline. Affected: yes.
Comment: This variant is considered likely benign or benign based on one or more of the following criteria: it is a conservative change, it occurs at a poorly conserved position in the protein, it is predicted to be benign by multiple in silico algorithms, and/or has population frequency not consistent with disease.